The following is an entry in ClinVar:

ClinVar aggregate classification (germline): Pathogenic. Review status: criteria provided, multiple submitters, no conflicts (2 of 4 stars). 3 submissions from 3 submitters: Pathogenic (3). Last evaluated 2026-08-25.

Conditions:
Familial thoracic aortic aneurysm and aortic dissection (TAAD). Also called: Thoracic aortic aneurysms and dissections. Identifiers: Orphanet 91387, MedGen C4707243, MONDO:0019625.

Submissions (3):

Ambry Genetics
Classification: Pathogenic for Familial thoracic aortic aneurysm and aortic dissection. Last evaluated: 2026-08-25. Review status: criteria provided, single submitter. Criteria: Ambry Variant Classification Scheme 2023. Collection method: clinical testing. Allele origin: germline.
Comment: The c.455delC (p.P152Hfs*34) alteration, located in exon 3 (coding exon 3) of the SMAD3 gene, consists of a deletion of one nucleotide at position 455, causing a translational frameshift with a predicted alternate stop codon after 34 amino acids. This variant is expected to result in loss of function by premature protein truncation or nonsense-mediated mRNA decay. This variant was not reported in population-based cohorts in the Genome Aggregation Database (gnomAD). This variant was reported in individual(s) with features consistent with SMAD3-related Loeys-Dietz syndrome (Courtois, 2017). Based on the available evidence, this alteration is classified as pathogenic.

Labcorp Genetics (formerly Invitae), Labcorp
Classification: Pathogenic for Familial thoracic aortic aneurysm and aortic dissection. Last evaluated: 2024-03-17. Review status: criteria provided, single submitter. Criteria: Invitae Variant Classification Sherloc (09022015). Collection method: clinical testing. Allele origin: germline.
Comment: This sequence change creates a premature translational stop signal (p.Pro152Hisfs*34) in the SMAD3 gene. It is expected to result in an absent or disrupted protein product. Loss-of-function variants in SMAD3 are known to be pathogenic (PMID: 21778426, 24804794). This variant is not present in population databases (gnomAD no frequency). This premature translational stop signal has been observed in individual(s) with clinical features of SMAD3-related conditions (PMID: 28185953). It has also been observed to segregate with disease in related individuals. ClinVar contains an entry for this variant (Variation ID: 213792). For these reasons, this variant has been classified as Pathogenic.

GeneDx
Classification: Pathogenic. Last evaluated: 2023-09-25. Review status: criteria provided, single submitter. Criteria: GeneDx Variant Classification Process June 2021. Collection method: clinical testing. Allele origin: germline. Affected: yes.
Comment: Not observed at significant frequency in large population cohorts (gnomAD); Frameshift variant predicted to result in protein truncation or nonsense mediated decay in a gene for which loss of function is a known mechanism of disease; This variant is associated with the following publications: (PMID: 29392890, 28185953)

Literature cited by the submitters: PubMed 28185953 (cited by Ambry Genetics and Labcorp Genetics (formerly Invitae), Labcorp); PubMed 21778426 (cited by Labcorp Genetics (formerly Invitae), Labcorp); PubMed 24804794 (cited by Labcorp Genetics (formerly Invitae), Labcorp).

NM_005902.4(SMAD3):c.455del (p.Pro152fs)

Gene: SMAD3 (SMAD family member 3; plus strand). Cytogenetic location: 15q22.33.
Variant type: Deletion.
Coding change: c.455del on transcript NM_005902.4 (MANE Select); coding-DNA position 455, one base deleted (C; older notation c.455delC).
Protein change: p.Pro152fs; shifts the reading frame from proline 152.
Molecular consequence: frameshift variant.
Genome position (GRCh38, 1-based): chr15:67,165,307, C deleted; the last of 6 consecutive C bases (chr15:67,165,302-67,165,307); deleting any one gives the same sequence. VCF-style (leftmost placement, unchanged base first): chr15-67165301-TC-T. GRCh37 (hg19) VCF-style: chr15-67457639-TC-T.
Other names: c.455del (NM_005902.3); c.140del, p.Pro47fs (NM_001145102.2); c.323del, p.Pro108fs (NM_001145103.2); short protein forms P47fs, P108fs, P152fs.
Identifiers: ClinVar variation 213792 (VCV000213792.14), dbSNP rs863223759, ClinGen allele CA320725.